The following is an entry in ClinVar:

NM_001184.4(ATR):c.1948G>A (p.Glu650Lys)

Gene: ATR (ATR checkpoint kinase; minus strand). Cytogenetic location: 3q23.
Variant type: single nucleotide variant.
Coding change: c.1948G>A on transcript NM_001184.4 (MANE Select); coding-DNA position 1948, G replaced by A.
Protein change: p.Glu650Lys; replaces glutamic acid 650 with lysine.
Molecular consequence: missense variant.
Genome position (GRCh38, 1-based): chr3:142,556,513, C>T on the plus strand (G>A on the coding strand, the complement: ATR is on the minus strand). VCF-style: chr3-142556513-C-T. GRCh37 (hg19) VCF-style: chr3-142275355-C-T.
Other names: c.1756G>A, p.Glu586Lys (NM_001354579.2); short protein forms E650K, E586K.
Identifiers: ClinVar variation 1783161 (VCV001783161.8), dbSNP rs997536082, ClinGen allele CA84748802.

ClinVar aggregate classification (germline): Uncertain significance. Review status: criteria provided, multiple submitters, no conflicts (2 of 4 stars). 2 submissions from 2 submitters: Uncertain significance (2). Last evaluated 2025-07-13.

Conditions:
Inborn genetic diseases. Identifiers: MedGen C0950123, MeSH D030342.

Allele frequency attached by ClinVar (database versions not stated): gnomAD exomes below 0.00001; gnomAD 0.00001; TOPMed 0.00004.
gnomAD v4.1: 9 of 1,613,946 alleles (0.00056%); highest among the groups gnomAD compares: African/African-American, 0.0027%; no homozygotes.

Submissions (2):

Labcorp Genetics (formerly Invitae), Labcorp
Classification: Uncertain significance. Last evaluated: 2025-07-13. Review status: criteria provided, single submitter. Criteria: Invitae Variant Classification Sherloc (09022015). Collection method: clinical testing. Allele origin: germline.
Comment: This sequence change replaces glutamic acid, which is acidic and polar, with lysine, which is basic and polar, at codon 650 of the ATR protein (p.Glu650Lys). This variant is not present in population databases (gnomAD no frequency). This variant has not been reported in the literature in individuals affected with ATR-related conditions. ClinVar contains an entry for this variant (Variation ID: 1783161). An algorithm developed to predict the effect of missense changes on protein structure and function outputs the following: PolyPhen-2: "Benign". The lysine amino acid residue is found in multiple mammalian species, which suggests that this missense change does not adversely affect protein function. In summary, the available evidence is currently insufficient to determine the role of this variant in disease. Therefore, it has been classified as a Variant of Uncertain Significance.

Ambry Genetics
Classification: Uncertain significance for Inborn genetic diseases. Last evaluated: 2024-11-17. Review status: criteria provided, single submitter. Criteria: Ambry Variant Classification Scheme 2023. Collection method: clinical testing. Allele origin: germline.
Comment: The p.E650K variant (also known as c.1948G>A), located in coding exon 9 of the ATR gene, results from a G to A substitution at nucleotide position 1948. The glutamic acid at codon 650 is replaced by lysine, an amino acid with similar properties. This amino acid position is conserved. In addition, this alteration is predicted to be tolerated by in silico analysis. Since supporting evidence is limited at this time, the clinical significance of this alteration remains unclear.